The following is an entry in ClinVar:

ClinVar aggregate classification (germline): Pathogenic. Review status: criteria provided, single submitter (1 of 4 stars). 2 submissions from 2 submitters: Pathogenic (1). 1 of the submissions does not count toward it. Last evaluated 2019-03-07.

Conditions:
Aniridia 1 (AN1). Identifiers: Orphanet 250923, MedGen C0344542, MONDO:0024507, OMIM 106210.
Irido-corneo-trabecular dysgenesis (ASGD5). Also called: ANTERIOR SEGMENT DYSGENESIS 5. Identifiers: Orphanet 708, MedGen C0344559, MONDO:0011414, OMIM 604229, HP:0000659.

Submissions (2):

Labcorp Genetics (formerly Invitae), Labcorp
Classification: Pathogenic for Aniridia 1; Irido-corneo-trabecular dysgenesis. Last evaluated: 2019-03-07. Review status: criteria provided, single submitter. Criteria: Invitae Variant Classification Sherloc (09022015). Collection method: clinical testing. Allele origin: germline.
Comment: This sequence change affects an acceptor splice site in intron 9 of the PAX6 gene. It is expected to disrupt RNA splicing and likely results in an absent or disrupted protein product. This variant is not present in population databases (ExAC no frequency). This variant has been observed in individuals affected with aniridia (PMID: 9138149, Invitae). Algorithms developed to predict the effect of sequence changes on RNA splicing suggest that this variant may disrupt the consensus splice site, but this prediction has not been confirmed by published transcriptional studies. Donor and acceptor splice site variants typically lead to a loss of protein function (PMID: 16199547), and loss-of-function variants in PAX6 are known to be pathogenic (PMID: 12634864). For these reasons, this variant has been classified as Pathogenic.

Wessex Regional Genetics Laboratory, Salisbury District Hospital
Classification: Pathogenic for Aniridia 1. Last evaluated: 2019-08-15. Review status: no assertion criteria provided. Criteria: ACMG Guidelines, 2015. Collection method: clinical testing. Allele origin: de novo. Inheritance: Autosomal dominant inheritance. Affected: yes. Not counted in ClinVar's aggregate classification.

Literature cited by the submitters: PubMed 9138149 (cited by Labcorp Genetics (formerly Invitae), Labcorp); PubMed 12634864 (cited by Labcorp Genetics (formerly Invitae), Labcorp).

NM_001368894.2(PAX6):c.808-1G>C

Gene: PAX6 (paired box 6; minus strand). Cytogenetic location: 11p13.
Variant type: single nucleotide variant.
Coding change: c.808-1G>C on transcript NM_001368894.2 (MANE Select); the canonical splice acceptor site of the intron before coding-DNA position 808, G replaced by C.
Molecular consequence: splice acceptor variant.
Genome position (GRCh38, 1-based): chr11:31,793,803, C>G on the plus strand (G>C on the coding strand, the complement: PAX6 is on the minus strand). VCF-style: chr11-31793803-C-G. GRCh37 (hg19) VCF-style: chr11-31815351-C-G.
Other names: c.766-1G>C (NM_001127612.3, NM_001368890.2, NM_001368888.2 and 10 more transcripts); c.607-1G>C (NM_001368921.2, NM_001368923.2, NM_001368926.2 and 4 more transcripts); c.808-1G>C (NM_001258462.3, NM_001310158.2, NM_001258463.2 and 6 more transcripts); c.883-1G>C (NM_001368919.2, NM_001368918.2); c.1009-1G>C (NM_001368910.2); c.358-1G>C (NM_001368909.2, NM_001368904.2, NM_001368905.2 and 11 more transcripts); c.811-1G>C (NM_001368911.2); c.565-1G>C (NM_001368928.2); and 2 more.
Identifiers: ClinVar variation 800453 (VCV000800453.3), dbSNP rs1592416538, ClinGen allele CA379956589.